The following is an entry in ClinVar:

NM_001127649.3(PEX26):c.362T>G (p.Leu121Arg)

Gene: PEX26 (peroxisomal biogenesis factor 26; plus strand). Cytogenetic location: 22q11.21.
Variant type: single nucleotide variant.
Coding change: c.362T>G on transcript NM_001127649.3 (MANE Select); coding-DNA position 362, T replaced by G.
Protein change: p.Leu121Arg; replaces leucine 121 with arginine.
Molecular consequence: missense variant.
Genome position (GRCh38, 1-based): chr22:18,080,005, T>G. VCF-style: chr22-18080005-T-G. GRCh37 (hg19) VCF-style: chr22-18562771-T-G.
Other names: c.362T>G, p.Leu121Arg (NM_001199319.2, NM_017929.6); short protein forms L121R.
Identifiers: ClinVar variation 3755801 (VCV003755801.2).

ClinVar aggregate classification (germline): Uncertain significance (1 of 4 stars; one submission).

Conditions:
Peroxisome biogenesis disorder 7A (Zellweger). Also called: Peroxisome biogenesis disorder 7A. Identifiers: Orphanet 912, MedGen C3888385, MONDO:0013938, OMIM 614872.
Peroxisome biogenesis disorder 7B (PBD7B). Identifiers: Orphanet 44, MedGen C3553951, MONDO:0013939, OMIM 614873.

Submission:

Labcorp Genetics (formerly Invitae), Labcorp
Classification: Uncertain significance for Peroxisome biogenesis disorder 7A (Zellweger); Peroxisome biogenesis disorder 7B. Last evaluated: 2024-04-17. Review status: criteria provided, single submitter. Criteria: Invitae Variant Classification Sherloc (09022015). Collection method: clinical testing. Allele origin: germline.
Comment: This sequence change replaces leucine, which is neutral and non-polar, with arginine, which is basic and polar, at codon 121 of the PEX26 protein (p.Leu121Arg). This variant is not present in population databases (gnomAD no frequency). This variant has not been reported in the literature in individuals affected with PEX26-related conditions. Advanced modeling of protein sequence and biophysical properties (such as structural, functional, and spatial information, amino acid conservation, physicochemical variation, residue mobility, and thermodynamic stability) performed at Invitae indicates that this missense variant is expected to disrupt PEX26 protein function with a positive predictive value of 80%. In summary, the available evidence is currently insufficient to determine the role of this variant in disease. Therefore, it has been classified as a Variant of Uncertain Significance.